The following is an entry in ClinVar:

NM_177438.3(DICER1):c.2374del (p.Leu792fs)

Gene: DICER1 (dicer 1, ribonuclease III; minus strand). Cytogenetic location: 14q32.13.
Variant type: Deletion.
Coding change: c.2374del on transcript NM_177438.3 (MANE Select); coding-DNA position 2374, one base deleted (C; older notation c.2374delC).
Protein change: p.Leu792fs; shifts the reading frame from leucine 792.
Molecular consequence: frameshift variant. On other transcripts: non-coding transcript variant (6).
Genome position (GRCh38, 1-based): chr14:95,108,386, G deleted on the plus strand (C on the coding strand, the reverse complement: DICER1 is on the minus strand). VCF-style (leftmost placement, unchanged base first): chr14-95108385-AG-A. GRCh37 (hg19) VCF-style: chr14-95574722-AG-A.
Other names: c.2374del, p.Leu792fs (NM_001195573.1, NM_001271282.3, NM_001291628.2 and 12 more transcripts); c.2374delC, p.Leu792Serfs (NM_001395681.1); c.2092del, p.Leu698fs (NM_001395686.1); c.1969del, p.Leu657fs (NM_001395687.1, NM_001395688.1, NM_001395689.1 and 2 more transcripts); c.1807del, p.Leu603fs (NM_001395691.1); c.691del, p.Leu231fs (NM_001395697.1); short protein forms L231fs, L603fs, L657fs, L698fs, L792fs.
Identifiers: ClinVar variation 3229336 (VCV003229336.1), dbSNP rs2542853572, ClinGen allele CA2825002255.

ClinVar aggregate classification (germline): Pathogenic (1 of 4 stars; one submission).

Conditions:
Hereditary cancer-predisposing syndrome. Also called: Neoplastic Syndromes, Hereditary; Tumor predisposition; Hereditary neoplastic syndrome; Hereditary Cancer Syndrome. Identifiers: Orphanet 140162, MedGen C0027672, MeSH D009386, MONDO:0015356.

Submission:

Ambry Genetics
Classification: Pathogenic for Hereditary cancer-predisposing syndrome. Last evaluated: 2022-05-30. Review status: criteria provided, single submitter. Criteria: Ambry Variant Classification Scheme 2023. Collection method: clinical testing. Allele origin: germline.
Comment: The c.2374delC pathogenic mutation, located in coding exon 14 of the DICER1 gene, results from a deletion of one nucleotide at nucleotide position 2374, causing a translational frameshift with a predicted alternate stop codon (p.L792Sfs*14). This variant is considered to be rare based on population cohorts in the Genome Aggregation Database (gnomAD). This alteration is expected to result in loss of function by premature protein truncation or nonsense-mediated mRNA decay. As such, this alteration is interpreted as a disease-causing mutation.